The following is an entry in ClinVar:

ClinVar aggregate classification (germline): Uncertain significance. Review status: criteria provided, multiple submitters, no conflicts (2 of 4 stars). 3 submissions from 3 submitters: Uncertain significance (3). Last evaluated 2025-06-17.

Conditions:
Inborn genetic diseases. Identifiers: MedGen C0950123, MeSH D030342.

Allele frequency attached by ClinVar (database versions not stated): gnomAD 0.00001 and 0.00003; TOPMed 0.00001; gnomAD exomes 0.00003 and 0.00007; ExAC 0.00011.
gnomAD v4.1: 52 of 1,614,094 alleles (0.0032%); highest among the groups gnomAD compares: South Asian, 0.05%; no homozygotes.

Submissions (3):

Ambry Genetics
Classification: Uncertain significance for Inborn genetic diseases. Last evaluated: 2025-06-17. Review status: criteria provided, single submitter. Criteria: Ambry Variant Classification Scheme 2023. Collection method: clinical testing. Allele origin: germline.

GeneDx
Classification: Uncertain significance. Last evaluated: 2023-06-06. Review status: criteria provided, single submitter. Criteria: GeneDx Variant Classification Process June 2021. Collection method: clinical testing. Allele origin: germline. Affected: yes.
Comment: In silico analysis supports that this missense variant does not alter protein structure/function; Has not been previously published as pathogenic or benign to our knowledge

Labcorp Genetics (formerly Invitae), Labcorp
Classification: Uncertain significance. Last evaluated: 2022-09-01. Review status: criteria provided, single submitter. Criteria: Invitae Variant Classification Sherloc (09022015). Collection method: clinical testing. Allele origin: germline.
Comment: This sequence change replaces serine, which is neutral and polar, with glycine, which is neutral and non-polar, at codon 2200 of the SZT2 protein (p.Ser2200Gly). This variant is present in population databases (rs752778549, gnomAD 0.06%). This variant has not been reported in the literature in individuals affected with SZT2-related conditions. ClinVar contains an entry for this variant (Variation ID: 940206). Algorithms developed to predict the effect of missense changes on protein structure and function are either unavailable or do not agree on the potential impact of this missense change (SIFT: "Deleterious"; PolyPhen-2: "Possibly Damaging"; Align-GVGD: "Class C0"). In summary, the available evidence is currently insufficient to determine the role of this variant in disease. Therefore, it has been classified as a Variant of Uncertain Significance.

NM_001365999.1(SZT2):c.6769A>G (p.Ser2257Gly)

Gene: SZT2 (SZT2 subunit of KICSTOR complex; plus strand). Cytogenetic location: 1p34.2.
Variant type: single nucleotide variant.
Coding change: c.6769A>G on transcript NM_001365999.1 (MANE Select); coding-DNA position 6769, A replaced by G.
Protein change: p.Ser2257Gly; replaces serine 2257 with glycine.
Molecular consequence: missense variant.
Genome position (GRCh38, 1-based): chr1:43,439,070, A>G. VCF-style: chr1-43439070-A-G. GRCh37 (hg19) VCF-style: chr1-43904741-A-G.
Other names: c.6598A>G, p.Ser2200Gly (NM_015284.4); short protein forms S2257G, S2200G.
Identifiers: ClinVar variation 940206 (VCV000940206.8), dbSNP rs752778549, ClinGen allele CA809993.